The following is an entry in ClinVar:

NM_021625.5(TRPV4):c.1696C>T (p.Leu566Phe)

Gene: TRPV4 (transient receptor potential cation channel subfamily V member 4; minus strand). Cytogenetic location: 12q24.11.
Variant type: single nucleotide variant.
Coding change: c.1696C>T on transcript NM_021625.5 (MANE Select); coding-DNA position 1696, C replaced by T.
Protein change: p.Leu566Phe; replaces leucine 566 with phenylalanine.
Molecular consequence: missense variant.
Genome position (GRCh38, 1-based): chr12:109,792,780, G>A on the plus strand (C>T on the coding strand, the complement: TRPV4 is on the minus strand). VCF-style: chr12-109792780-G-A. GRCh37 (hg19) VCF-style: chr12-110230585-G-A.
Other names: c.1555C>T, p.Leu519Phe (NM_001177428.2); c.1594C>T, p.Leu532Phe (NM_001177431.2); c.1375C>T, p.Leu459Phe (NM_001177433.2); c.1516C>T, p.Leu506Phe (NM_147204.3); short protein forms L459F, L566F, L519F, L506F, L532F.
Identifiers: ClinVar variation 1400073 (VCV001400073.6), dbSNP rs144583941, ClinGen allele CA243500182.

ClinVar aggregate classification (germline): Uncertain significance (1 of 4 stars; one submission).

Conditions:
Charcot-Marie-Tooth disease axonal type 2C (HMSN2C). Also called: CHARCOT-MARIE-TOOTH DISEASE, AXONAL, AUTOSOMAL DOMINANT, TYPE 2C; Charcot-Marie-Tooth Neuropathy Type 2C; Charcot-Marie-Tooth Disease Type 2, TRPV4-Related (CMT2C). Identifiers: Orphanet 99937, MedGen C1853710, MONDO:0011633, OMIM 606071.

Allele frequency attached by ClinVar (database versions not stated): TOPMed below 0.00001; ESP Exome Variant Server 0.00008; gnomAD exomes below 0.00001.
gnomAD v4.1: 2 of 1,614,068 alleles (0.00012%); highest among the groups gnomAD compares: Admixed American, 0.0017%; no homozygotes.

Submission:

Labcorp Genetics (formerly Invitae), Labcorp
Classification: Uncertain significance for Charcot-Marie-Tooth disease axonal type 2C. Last evaluated: 2023-11-17. Review status: criteria provided, single submitter. Criteria: Invitae Variant Classification Sherloc (09022015). Collection method: clinical testing. Allele origin: germline.
Comment: This sequence change replaces leucine, which is neutral and non-polar, with phenylalanine, which is neutral and non-polar, at codon 566 of the TRPV4 protein (p.Leu566Phe). This variant is present in population databases (rs144583941, gnomAD 0.003%). This variant has not been reported in the literature in individuals affected with TRPV4-related conditions. ClinVar contains an entry for this variant (Variation ID: 1400073). Advanced modeling of protein sequence and biophysical properties (such as structural, functional, and spatial information, amino acid conservation, physicochemical variation, residue mobility, and thermodynamic stability) has been performed at Invitae for this missense variant, however the output from this modeling did not meet the statistical confidence thresholds required to predict the impact of this variant on TRPV4 protein function. In summary, the available evidence is currently insufficient to determine the role of this variant in disease. Therefore, it has been classified as a Variant of Uncertain Significance.